The following is an entry in ClinVar:

NM_001065.4(TNFRSF1A):c.71C>A (p.Pro24His)

Gene: TNFRSF1A (TNF receptor superfamily member 1A; minus strand). Cytogenetic location: 12p13.31.
Variant type: single nucleotide variant.
Coding change: c.71C>A on transcript NM_001065.4 (MANE Select); coding-DNA position 71, C replaced by A.
Protein change: p.Pro24His; replaces proline 24 with histidine.
Molecular consequence: missense variant. On other transcripts: 5 prime UTR variant (1), non-coding transcript variant (1), intron variant (1).
Genome position (GRCh38, 1-based): chr12:6,334,213, G>T on the plus strand (C>A on the coding strand, the complement: TNFRSF1A is on the minus strand). VCF-style: chr12-6334213-G-T. GRCh37 (hg19) VCF-style: chr12-6443379-G-T.
Other names: c.-507C>A (NM_001346092.2); c.-131-348C>A (NM_001346091.2); short protein forms P24H.
Identifiers: ClinVar variation 2706728 (VCV002706728.3), dbSNP rs2497801506, ClinGen allele CA383551199.

ClinVar aggregate classification (germline): Uncertain significance (1 of 4 stars; one submission).

Conditions:
TNF receptor-associated periodic fever syndrome (TRAPS) (FPF). Also called: FAMILIAL HIBERNIAN FEVER; TNF RECEPTOR-ASSOCIATED PERIODIC SYNDROME; TUMOR NECROSIS FACTOR RECEPTOR-ASSOCIATED PERIODIC SYNDROME; Autosomal Dominant Familial Periodic Fever; TNF Receptor-Associated Periodic Fever Syndrome; TNF receptor 1-associated periodic fever syndrome. Identifiers: Orphanet 32960, MedGen C1275126, MONDO:0007727, OMIM 142680.

Submission:

Labcorp Genetics (formerly Invitae), Labcorp
Classification: Uncertain significance for TNF receptor-associated periodic fever syndrome (TRAPS). Last evaluated: 2024-01-08. Review status: criteria provided, single submitter. Criteria: Invitae Variant Classification Sherloc (09022015). Collection method: clinical testing. Allele origin: germline.
Comment: This sequence change replaces proline, which is neutral and non-polar, with histidine, which is basic and polar, at codon 24 of the TNFRSF1A protein (p.Pro24His). This variant is not present in population databases (gnomAD no frequency). This variant has not been reported in the literature in individuals affected with TNFRSF1A-related conditions. Advanced modeling of protein sequence and biophysical properties (such as structural, functional, and spatial information, amino acid conservation, physicochemical variation, residue mobility, and thermodynamic stability) has been performed at Invitae for this missense variant, however the output from this modeling did not meet the statistical confidence thresholds required to predict the impact of this variant on TNFRSF1A protein function. In summary, the available evidence is currently insufficient to determine the role of this variant in disease. Therefore, it has been classified as a Variant of Uncertain Significance.